The following is an entry in ClinVar:

NM_001386795.1(DTNA):c.1743+2273A>G

Gene: DTNA (dystrobrevin alpha; plus strand). Cytogenetic location: 18q12.1.
Variant type: single nucleotide variant.
Coding change: c.1743+2273A>G on transcript NM_001386795.1 (MANE Select); 2273 bases into the intron after coding-DNA position 1743, A replaced by G.
Molecular consequence: intron variant. On other transcripts: 3 prime UTR variant (11).
Genome position (GRCh38, 1-based): chr18:34,866,335, A>G. VCF-style: chr18-34866335-A-G. GRCh37 (hg19) VCF-style: chr18-32446299-A-G.
Other names: c.*174A>G (NM_001198941.2, NM_001198945.2, NM_001386770.1 and 8 more transcripts); c.1491+2273A>G (NM_032975.4, NM_001386761.1); c.1488+2273A>G (NM_001386762.1); c.1572+2273A>G (NM_001386754.1, NM_001386755.1, NM_001386757.1 and 3 more transcripts); c.1569+2273A>G (NM_001386760.1); c.1482+2273A>G (NM_001386763.1, NM_001386764.1, NM_001198940.2 and 5 more transcripts); c.1479+2273A>G (NM_001386768.1, NM_001386769.1); c.1503+204A>G (NM_001198939.2); and 6 more.
Identifiers: ClinVar variation 326672 (VCV000326672.2), dbSNP rs582352, ClinGen allele CA10647518.
Genomic context (GRCh38, chr18:34,866,335, plus strand): 5'-ATGTAGTGCTTGAATTGAGATATATAAATTTAGCATTTTTTATAACTATCACTACTATCC[A>G]CATCAAAAGAAGAACTATGACATCTTTTAGAAAAGGGAACGAATTGTCATTTATTGGAAA-3'

ClinVar aggregate classification (germline): Benign. Review status: criteria provided, multiple submitters, no conflicts (2 of 4 stars). 2 submissions from 2 submitters: Benign (2). Last evaluated 2018-06-16.

Allele frequency attached by ClinVar (database versions not stated): gnomAD 0.19162 and 0.19855; gnomAD exomes 0.12246; TOPMed 0.19369; 1000 Genomes Project 0.16514; 1000 Genomes Project 30x 0.17473.
gnomAD v4.1: 185,488 of 1,429,754 alleles (13%); highest among the groups gnomAD compares: African/African-American, 38%; 14,865 homozygotes.

Submissions (2):

GeneDx
Classification: Benign. Last evaluated: 2018-06-16. Review status: criteria provided, single submitter. Criteria: GeneDx Variant Classification (06012015). Collection method: clinical testing. Allele origin: germline. Affected: yes.
Comment: This variant is considered likely benign or benign based on one or more of the following criteria: it is a conservative change, it occurs at a poorly conserved position in the protein, it is predicted to be benign by multiple in silico algorithms, and/or has population frequency not consistent with disease.

Breakthrough Genomics
Classification: Benign. Review status: criteria provided, single submitter. Criteria: ACMG Guidelines, 2015. Collection method: not provided. Allele origin: germline. Inheritance: Autosomal dominant inheritance. Affected: yes.